The following is an entry in ClinVar:

ClinVar aggregate classification (germline): Pathogenic (1 of 4 stars; one submission).

Submission:

Labcorp Genetics (formerly Invitae), Labcorp
Classification: Pathogenic. Last evaluated: 2023-02-16. Review status: criteria provided, single submitter. Criteria: Invitae Variant Classification Sherloc (09022015). Collection method: clinical testing. Allele origin: germline.
Comment: This sequence change creates a premature translational stop signal (p.Cys97*) in the VLDLR gene. It is expected to result in an absent or disrupted protein product. Loss-of-function variants in VLDLR are known to be pathogenic (PMID: 18043714, 18326629, 22532556). This variant is not present in population databases (gnomAD no frequency). This variant has not been reported in the literature in individuals affected with VLDLR-related conditions. For these reasons, this variant has been classified as Pathogenic.

Literature cited by the submitters: PubMed 18043714; PubMed 18326629; PubMed 22532556.

NM_003383.5(VLDLR):c.291C>A (p.Cys97Ter)

Gene: VLDLR (very low density lipoprotein receptor; plus strand). Cytogenetic location: 9p24.2.
Variant type: single nucleotide variant.
Coding change: c.291C>A on transcript NM_003383.5 (MANE Select); coding-DNA position 291, C replaced by A.
Protein change: p.Cys97Ter; replaces cysteine 97 with a stop codon.
Molecular consequence: nonsense.
Genome position (GRCh38, 1-based): chr9:2,639,947, C>A. VCF-style: chr9-2639947-C-A. GRCh37 (hg19) VCF-style: chr9-2639947-C-A.
Other names: c.291C>A, p.Cys97Ter (NM_001018056.3, NM_001322225.2, NM_001322226.2); short protein forms C97*.
Identifiers: ClinVar variation 2837856 (VCV002837856.3), dbSNP rs750584489, ClinGen allele CA372788541.
Genomic context (GRCh38, chr9:2,639,947, plus strand): 5'-CGTGTGCAACAATGGCCAGTGTGTTCCCAGCCGATGGAAGTGTGATGGAGATCCTGACTG[C>A]GAAGATGGTTCAGATGAAAGCCCAGAACAGTGCCGTGAGTGTAACTTGCTTTGGCCTTGA-3'